The following is an entry in ClinVar:

NM_000553.6(WRN):c.2972C>A (p.Ser991Tyr)

Gene: WRN (WRN RecQ like helicase; plus strand). Cytogenetic location: 8p12.
Variant type: single nucleotide variant.
Coding change: c.2972C>A on transcript NM_000553.6 (MANE Select); coding-DNA position 2972, C replaced by A.
Protein change: p.Ser991Tyr; replaces serine 991 with tyrosine.
Molecular consequence: missense variant.
Genome position (GRCh38, 1-based): chr8:31,141,434, C>A. VCF-style: chr8-31141434-C-A. GRCh37 (hg19) VCF-style: chr8-30998950-C-A.
Other names: short protein forms S991Y.
Identifiers: ClinVar variation 949711 (VCV000949711.5), dbSNP rs1235144745, ClinGen allele CA370921622.

ClinVar aggregate classification (germline): Uncertain significance (1 of 4 stars; one submission).

Conditions:
Werner syndrome (WRN). Identifiers: Orphanet 902, MedGen C0043119, MONDO:0010196, OMIM 277700.

Submission:

Labcorp Genetics (formerly Invitae), Labcorp
Classification: Uncertain significance for Werner syndrome. Last evaluated: 2019-07-10. Review status: criteria provided, single submitter. Criteria: Invitae Variant Classification Sherloc (09022015). Collection method: clinical testing. Allele origin: germline.
Comment: In summary, the available evidence is currently insufficient to determine the role of this variant in disease. Therefore, it has been classified as a Variant of Uncertain Significance. Algorithms developed to predict the effect of missense changes on protein structure and function are either unavailable or do not agree on the potential impact of this missense change (SIFT: "Deleterious"; PolyPhen-2: "Probably Damaging"; Align-GVGD: "Class C0"). This variant has not been reported in the literature in individuals with WRN-related conditions. This variant is not present in population databases (ExAC no frequency). This sequence change replaces serine with tyrosine at codon 991 of the WRN protein (p.Ser991Tyr). The serine residue is highly conserved and there is a large physicochemical difference between serine and tyrosine.